The following is an entry in ClinVar:

NM_005591.4(MRE11):c.5G>C (p.Ser2Thr)

Gene: MRE11 (MRE11 double strand break repair nuclease; minus strand). Cytogenetic location: 11q21.
Variant type: single nucleotide variant.
Coding change: c.5G>C on transcript NM_005591.4 (MANE Select); coding-DNA position 5, G replaced by C.
Protein change: p.Ser2Thr; replaces serine 2 with threonine.
Molecular consequence: missense variant.
Genome position (GRCh38, 1-based): chr11:94,492,797, C>G on the plus strand (G>C on the coding strand, the complement: MRE11 is on the minus strand). VCF-style: chr11-94492797-C-G. GRCh37 (hg19) VCF-style: chr11-94225963-C-G.
Other names: c.5G>C, p.Ser2Thr (NM_001330347.2, NM_005590.4); short protein forms S2T.
Identifiers: ClinVar variation 479759 (VCV000479759.6), dbSNP rs1487843687, ClinGen allele CA382381609.
Genomic context (GRCh38, chr11:94,492,797, plus strand): 5'-TTAGAAACCCCAAATAACAAGGGATTCCAGAAGTCAGGTGCTTACAGTGCATCTGCAGTA[C>G]TCATTTTTATGGTCAGTCAAGCTCCTCTGGGACCAGGTTCTTCTCCAAGAACCCCTGGGT-3'
Protein context (NP_005582.1, residues 1-12): M[Ser2Thr]TADALDDENT

ClinVar aggregate classification (germline): Uncertain significance (1 of 4 stars; one submission).

Conditions:
Hereditary cancer-predisposing syndrome. Also called: Hereditary Cancer Syndrome; Neoplastic Syndromes, Hereditary; Tumor predisposition; Hereditary neoplastic syndrome. Identifiers: Orphanet 140162, MedGen C0027672, MeSH D009386, MONDO:0015356.

Allele frequency attached by ClinVar (database versions not stated): gnomAD exomes below 0.00001.
gnomAD v4.1: 5 of 1,613,838 alleles (0.00031%); highest among the groups gnomAD compares: Non-Finnish European, 0.00025%; no homozygotes.

Submission:

Ambry Genetics
Classification: Uncertain significance for Hereditary cancer-predisposing syndrome. Last evaluated: 2025-10-14. Review status: criteria provided, single submitter. Criteria: Ambry Variant Classification Scheme 2023. Collection method: clinical testing. Allele origin: germline.
Comment: The p.S2T variant (also known as c.5G>C), located in coding exon 1 of the MRE11A gene, results from a G to C substitution at nucleotide position 5. The serine at codon 2 is replaced by threonine, an amino acid with similar properties. This variant was not reported in population based cohorts in the following databases: Database of Single Nucleotide Polymorphisms (dbSNP), NHLBI Exome Sequencing Project (ESP), and 1000 Genomes Project. In the ESP, this variant was not observed in 6499 samples (12998 alleles) with coverage at this position. To date, this alteration has been detected with an allele frequency of approximately 0.001% (greater than 175000 alleles tested) in our clinical cohort. This amino acid position is well conserved in available vertebrate species. In addition, this alteration is predicted to be tolerated by in silico analysis. Since supporting evidence is limited at this time, the clinical significance of this alteration remains unclear.